The following is an entry in ClinVar:

NM_001171.6(ABCC6):c.3145T>C (p.Ser1049Pro)

Gene: ABCC6 (ATP binding cassette subfamily C member 6; minus strand). Cytogenetic location: 16p13.11.
Variant type: single nucleotide variant.
Coding change: c.3145T>C on transcript NM_001171.6 (MANE Select); coding-DNA position 3145, T replaced by C.
Protein change: p.Ser1049Pro; replaces serine 1049 with proline.
Molecular consequence: missense variant. On other transcripts: non-coding transcript variant (4).
Genome position (GRCh38, 1-based): chr16:16,165,784, A>G on the plus strand (T>C on the coding strand, the complement: ABCC6 is on the minus strand). VCF-style: chr16-16165784-A-G. GRCh37 (hg19) VCF-style: chr16-16259641-A-G.
Other names: c.2803T>C, p.Ser935Pro (NM_001351800.1); c.3112T>C, p.Ser1038Pro (NM_001440309.1); c.2977T>C, p.Ser993Pro (NM_001440310.1); short protein forms S1038P, S1049P, S993P, S935P.
Identifiers: ClinVar variation 4723646 (VCV004723646.1).
Genomic context (GRCh38, chr16:16,165,784, plus strand): 5'-ACATCAGCAGGGACCGGAGTTTGTCTGGAATGTCCACGTCAACCGTGTCTGTCTCCTTGG[A>G]GAAGCGGTTTAGCAGGTGACCAATGGGTGTCCGCTCAAAGAAGCTGATGGGAGATCGCAC-3'
Protein context (NP_001162.5, residues 1039-1059): TPIGHLLNRF[Ser1049Pro]KETDTVDVDI

ClinVar aggregate classification (germline): Uncertain significance (1 of 4 stars; one submission).

Submission:

Labcorp Genetics (formerly Invitae), Labcorp
Classification: Uncertain significance. Last evaluated: 2025-10-22. Review status: criteria provided, single submitter. Criteria: Invitae Variant Classification Sherloc (09022015). Collection method: clinical testing. Allele origin: germline.
Comment: This sequence change replaces serine, which is neutral and polar, with proline, which is neutral and non-polar, at codon 1049 of the ABCC6 protein (p.Ser1049Pro). This variant is not present in population databases (gnomAD no frequency). This variant has not been reported in the literature in individuals affected with ABCC6-related conditions. Invitae Evidence Modeling of protein sequence and biophysical properties (such as structural, functional, and spatial information, amino acid conservation, physicochemical variation, residue mobility, and thermodynamic stability) indicates that this missense variant is expected to disrupt ABCC6 protein function with a positive predictive value of 95%. In summary, the available evidence is currently insufficient to determine the role of this variant in disease. Therefore, it has been classified as a Variant of Uncertain Significance.